The following is an entry in ClinVar:

ClinVar aggregate classification (germline): Uncertain significance (1 of 4 stars; one submission).

Conditions:
Inborn genetic diseases. Identifiers: MedGen C0950123, MeSH D030342.

Submission:

Ambry Genetics
Classification: Uncertain significance for Inborn genetic diseases. Last evaluated: 2021-10-21. Review status: criteria provided, single submitter. Criteria: Ambry Variant Classification Scheme 2023. Collection method: clinical testing. Allele origin: germline.
Comment: The p.Q427E variant (also known as c.1279C>G), located in coding exon 9 of the BUB1B gene, results from a C to G substitution at nucleotide position 1279. The glutamine at codon 427 is replaced by glutamic acid, an amino acid with highly similar properties. This amino acid position is conserved. In addition, this alteration is predicted to be tolerated by in silico analysis. Since supporting evidence is limited at this time, the clinical significance of this alteration remains unclear.

NM_001211.6(BUB1B):c.1279C>G (p.Gln427Glu)

Gene: BUB1B (BUB1 mitotic checkpoint serine/threonine kinase B; plus strand). Cytogenetic location: 15q15.1.
Variant type: single nucleotide variant.
Coding change: c.1279C>G on transcript NM_001211.6 (MANE Select); coding-DNA position 1279, C replaced by G.
Protein change: p.Gln427Glu; replaces glutamine 427 with glutamic acid.
Molecular consequence: missense variant.
Genome position (GRCh38, 1-based): chr15:40,196,765, C>G. VCF-style: chr15-40196765-C-G. GRCh37 (hg19) VCF-style: chr15-40488966-C-G.
Other names: short protein forms Q427E.
Identifiers: ClinVar variation 1767298 (VCV001767298.2), dbSNP rs2542550775, ClinGen allele CA391687813.